The following is an entry in ClinVar:

ClinVar aggregate classification (germline): Uncertain significance. Review status: criteria provided, multiple submitters, no conflicts (2 of 4 stars). 3 submissions from 3 submitters: Uncertain significance (3). Last evaluated 2025-08-07.

Conditions:
Inborn genetic diseases. Identifiers: MedGen C0950123, MeSH D030342.

Allele frequency attached by ClinVar (database versions not stated): gnomAD 0.00001; gnomAD exomes 0.00003 and 0.00007; ESP Exome Variant Server 0.00008; ExAC 0.00001; TOPMed 0.00003.
gnomAD v4.1: 101 of 1,613,822 alleles (0.0063%); highest among the groups gnomAD compares: Non-Finnish European, 0.0082%; no homozygotes.

Submissions (3):

Ambry Genetics
Classification: Uncertain significance for Inborn genetic diseases. Last evaluated: 2025-08-07. Review status: criteria provided, single submitter. Criteria: Ambry Variant Classification Scheme 2023. Collection method: clinical testing. Allele origin: germline.

Labcorp Genetics (formerly Invitae), Labcorp
Classification: Uncertain significance. Last evaluated: 2021-09-01. Review status: criteria provided, single submitter. Criteria: Invitae Variant Classification Sherloc (09022015). Collection method: clinical testing. Allele origin: germline.
Comment: This sequence change replaces valine with methionine at codon 163 of the COQ6 protein (p.Val163Met). The valine residue is highly conserved and there is a small physicochemical difference between valine and methionine. This variant is present in population databases (rs375128599, ExAC 0.001%). This variant has not been reported in the literature in individuals affected with COQ6-related conditions. ClinVar contains an entry for this variant (Variation ID: 376896). Algorithms developed to predict the effect of missense changes on protein structure and function are either unavailable or do not agree on the potential impact of this missense change (SIFT: "Deleterious"; PolyPhen-2: "Probably Damaging"; Align-GVGD: "Class C0"). In summary, the available evidence is currently insufficient to determine the role of this variant in disease. Therefore, it has been classified as a Variant of Uncertain Significance.

Center for Pediatric Genomic Medicine, Children's Mercy Hospital and Clinics
Classification: Uncertain significance. Last evaluated: 2016-06-30. Review status: criteria provided, single submitter. Criteria: ACMG Guidelines, 2015. Collection method: clinical testing. Allele origin: germline.
ClinVar note: Converted during submission from Uncertain Significance to Uncertain significance.

NM_182476.3(COQ6):c.487G>A (p.Val163Met)

Genes: COQ6 (coenzyme Q6, monooxygenase; plus strand), ENTPD5 (ectonucleoside triphosphate diphosphohydrolase 5; minus strand). Cytogenetic location: 14q24.3.
Variant type: single nucleotide variant.
Coding change: c.487G>A on transcript NM_182476.3 (MANE Select); coding-DNA position 487, G replaced by A.
Protein change: p.Val163Met; replaces valine 163 with methionine.
Molecular consequence: missense variant. On other transcripts: 3 prime UTR variant (3), intron variant (5).
Genome position (GRCh38, 1-based): chr14:73,958,152, G>A. VCF-style: chr14-73958152-G-A. GRCh37 (hg19) VCF-style: chr14-74424855-G-A.
Other names: c.487G>A, p.Val163Met (NM_001425255.1, NM_001425256.1); c.322G>A, p.Val108Met (NM_001425257.1); c.412G>A, p.Val138Met (NM_001425258.1, NM_182480.3); c.262G>A, p.Val88Met (NM_001425259.1, NM_001425260.1, NM_001425261.1); c.160G>A, p.Val54Met (NM_001425263.1); c.*1378C>T (NM_001330189.2, NM_001382259.1, NM_001382260.1); c.73-819G>A (NM_001425265.1, NM_001425264.1); c.358-819G>A (NM_001425262.1); and 2 more; short protein forms V138M, V163M.
Identifiers: ClinVar variation 376896 (VCV000376896.8), dbSNP rs375128599, ClinGen allele CA7264220.